The following is an entry in ClinVar:

ClinVar aggregate classification (germline): Uncertain significance (1 of 4 stars; one submission).

Allele frequency attached by ClinVar (database versions not stated): gnomAD exomes 0.00001; ExAC 0.00001; gnomAD 0.00002; TOPMed 0.00002.
gnomAD v4.1: 15 of 1,613,590 alleles (0.00093%); highest among the groups gnomAD compares: South Asian, 0.0022%; no homozygotes.

Submission:

Labcorp Genetics (formerly Invitae), Labcorp
Classification: Uncertain significance. Last evaluated: 2025-11-09. Review status: criteria provided, single submitter. Criteria: Invitae Variant Classification Sherloc (09022015). Collection method: clinical testing. Allele origin: germline.
Comment: This sequence change replaces aspartic acid, which is acidic and polar, with asparagine, which is neutral and polar, at codon 94 of the GUCY2C protein (p.Asp94Asn). This variant is present in population databases (rs773911480, gnomAD 0.006%). This variant has not been reported in the literature in individuals affected with GUCY2C-related conditions. ClinVar contains an entry for this variant (Variation ID: 2854301). Invitae Evidence Modeling of protein sequence and biophysical properties (such as structural, functional, and spatial information, amino acid conservation, physicochemical variation, residue mobility, and thermodynamic stability) indicates that this missense variant is not expected to disrupt GUCY2C protein function with a negative predictive value of 80%. In summary, the available evidence is currently insufficient to determine the role of this variant in disease. Therefore, it has been classified as a Variant of Uncertain Significance.

NM_004963.4(GUCY2C):c.280G>A (p.Asp94Asn)

Genes: GUCY2C (guanylate cyclase 2C; minus strand), GUCY2C-AS1 (GUCY2C antisense RNA 1; plus strand). Cytogenetic location: 12p12.3.
Variant type: single nucleotide variant.
Coding change: c.280G>A on transcript NM_004963.4 (MANE Select); coding-DNA position 280, G replaced by A.
Protein change: p.Asp94Asn; replaces aspartic acid 94 with asparagine.
Molecular consequence: missense variant.
Genome position (GRCh38, 1-based): chr12:14,688,001, C>T on the plus strand (G>A on the coding strand, the complement: GUCY2C is on the minus strand). VCF-style: chr12-14688001-C-T. GRCh37 (hg19) VCF-style: chr12-14840935-C-T.
Other names: short protein forms D94N.
Identifiers: ClinVar variation 2854301 (VCV002854301.3), dbSNP rs773911480, ClinGen allele CA6463793.
Genomic context (GRCh38, chr12:14,688,001, plus strand): 5'-AAATACTTACTGAAATTTTCCTGAGTAGGTCGAGGCCTTCACAGGTGCTACTCCGGCAGT[C>T]GCCTGAGTTATGAATCAGACCATCCGAATACATGAAAGTAGCGTTCACAGTCACATTTAG-3'
Protein context (NP_004954.2, residues 84-104): YSDGLIHNSG[Asp94Asn]CRSSTCEGLD